The following is an entry in ClinVar:

NM_001003800.2(BICD2):c.240+120C>G

Gene: BICD2 (BICD cargo adaptor 2; minus strand). Cytogenetic location: 9q22.31.
Variant type: single nucleotide variant.
Coding change: c.240+120C>G on transcript NM_001003800.2 (MANE Select); 120 bases into the intron after coding-DNA position 240, C replaced by G.
Molecular consequence: intron variant.
Genome position (GRCh38, 1-based): chr9:92,764,385, G>C on the plus strand (C>G on the coding strand, the complement: BICD2 is on the minus strand). VCF-style: chr9-92764385-G-C. GRCh37 (hg19) VCF-style: chr9-95526667-G-C.
Other names: c.240+120C>G (NM_015250.4).
Identifiers: ClinVar variation 678238 (VCV000678238.2), dbSNP rs2277164, ClinGen allele CA12992863.
Genomic context (GRCh38, chr9:92,764,385, plus strand): 5'-ACCGGCCTGCTAGCCAAGGCCGGGCCCACTCCCACATACTGCCCGTGCCCCCTCCGCCCC[G>C]GCGGCCCACCCCTGCCGGCCCCCGCTTGGCAAGCTGACCTTGGCCGCCCTGGTGCCAGGG-3'

ClinVar aggregate classification (germline): Benign. Review status: criteria provided, multiple submitters, no conflicts (2 of 4 stars). 2 submissions from 2 submitters: Benign (2). Last evaluated 2018-06-18.

Allele frequency attached by ClinVar (database versions not stated): gnomAD 0.26013 and 0.27521; TOPMed 0.27757; 1000 Genomes Project 30x 0.38507; 1000 Genomes Project 0.39557.

Submissions (2):

GeneDx
Classification: Benign. Last evaluated: 2018-06-18. Review status: criteria provided, single submitter. Criteria: GeneDx Variant Classification (06012015). Collection method: clinical testing. Allele origin: germline. Affected: yes.
Comment: This variant is considered likely benign or benign based on one or more of the following criteria: it is a conservative change, it occurs at a poorly conserved position in the protein, it is predicted to be benign by multiple in silico algorithms, and/or has population frequency not consistent with disease.

Breakthrough Genomics
Classification: Benign. Review status: criteria provided, single submitter. Criteria: ACMG Guidelines, 2015. Collection method: not provided. Allele origin: germline. Inheritance: Autosomal dominant inheritance. Affected: yes.